The following is an entry in ClinVar:

NM_152906.7(TANGO2):c.735T>G (p.Asp245Glu)

Gene: TANGO2 (transport and golgi organization 2 homolog; plus strand). Cytogenetic location: 22q11.21.
Variant type: single nucleotide variant.
Coding change: c.735T>G on transcript NM_152906.7 (MANE Select); coding-DNA position 735, T replaced by G.
Protein change: p.Asp245Glu; replaces aspartic acid 245 with glutamic acid.
Molecular consequence: missense variant. On other transcripts: 3 prime UTR variant (2), non-coding transcript variant (5).
Genome position (GRCh38, 1-based): chr22:20,064,566, T>G. VCF-style: chr22-20064566-T-G. GRCh37 (hg19) VCF-style: chr22-20052089-T-G.
Other names: p.Asp245Glu; c.735T>G, p.Asp245Glu (NM_001283106.3, NM_001283116.3); c.858T>G, p.Asp286Glu (NM_001283129.3, NM_001322143.2); c.733T>G, p.Cys245Gly (NM_001283148.3, NM_001283154.3); c.549T>G, p.Asp183Glu (NM_001283179.3, NM_001283186.3, NM_001322163.2 and 2 more transcripts); c.510T>G, p.Asp170Glu (NM_001283199.3); c.*2T>G (NM_001283215.3); c.441T>G, p.Asp147Glu (NM_001283235.3, NM_001322171.2, NM_001322172.2 and 3 more transcripts); and 10 more; short protein forms C183G, C245G, D147E, D170E, D211E, D245E, D297E, D224E.
Identifiers: ClinVar variation 781599 (VCV000781599.16), dbSNP rs16982614, ClinGen allele CA10106566.

ClinVar aggregate classification (germline): Benign. Review status: criteria provided, multiple submitters, no conflicts (2 of 4 stars). 5 submissions from 5 submitters: Benign (4). 1 of the submissions does not count toward it. Last evaluated 2026-02-02.

Conditions:
TANGO2-related disorder. Also called: TANGO2-related condition.

Allele frequency attached by ClinVar (database versions not stated): TOPMed 0.01580; ESP Exome Variant Server 0.01615; 1000 Genomes Project 0.01637; 1000 Genomes Project 30x 0.01905; gnomAD exomes 0.00136 and 0.00369; ExAC 0.00474; gnomAD 0.01362 and 0.01450.
gnomAD v4.1: 4,154 of 1,614,136 alleles (0.26%); highest among the groups gnomAD compares: African/African-American, 4.7%; 97 homozygotes.

Submissions (5):

Labcorp Genetics (formerly Invitae), Labcorp
Classification: Benign. Last evaluated: 2026-02-02. Review status: criteria provided, single submitter. Criteria: Invitae Variant Classification Sherloc (09022015). Collection method: clinical testing. Allele origin: germline.

Mayo Clinic Laboratories, Mayo Clinic
Classification: Benign. Last evaluated: 2023-01-12. Review status: criteria provided, single submitter. Criteria: ACMG Guidelines, 2015. Collection method: clinical testing. Allele origin: germline. Observed: 7 variant alleles.
Comment: BS1, BS2, BP4

GeneDx
Classification: Benign. Last evaluated: 2020-08-06. Review status: criteria provided, single submitter. Criteria: GeneDx Variant Classification Process June 2021. Collection method: clinical testing. Allele origin: germline. Affected: yes.

Breakthrough Genomics
Classification: Benign. Review status: criteria provided, single submitter. Criteria: ACMG Guidelines, 2015. Collection method: not provided. Allele origin: germline. Inheritance: Autosomal recessive inheritance. Affected: yes.

PreventionGenetics, part of Exact Sciences
Classification: Benign for TANGO2-related condition. Last evaluated: 2019-07-08. Review status: no assertion criteria provided. Collection method: clinical testing. Allele origin: germline. Not counted in ClinVar's aggregate classification.
Comment: This variant is classified as benign based on ACMG/AMP sequence variant interpretation guidelines (Richards et al. 2015 PMID: 25741868, with internal and published modifications).